The following is an entry in ClinVar:

ClinVar aggregate classification (germline): Conflicting classifications of pathogenicity. Review status: criteria provided, conflicting classifications (1 of 4 stars). 6 submissions from 6 submitters: Uncertain significance (1); Likely benign (2). 3 of the submissions do not count toward it. Last evaluated 2026-01-28.

Conditions:
Retinitis pigmentosa 25 (RP25). Identifiers: Orphanet 791, MedGen C1864446, MONDO:0011272, OMIM 602772.
EYS-related disorder. Also called: EYS-related condition.
Inborn genetic diseases. Identifiers: MedGen C0950123, MeSH D030342.

Allele frequency attached by ClinVar (database versions not stated): gnomAD exomes 0.00051; ExAC 0.00062; 1000 Genomes Project 0.00180; gnomAD 0.00202 and 0.00213; 1000 Genomes Project 30x 0.00203; TOPMed 0.00213; ESP Exome Variant Server 0.00246.
gnomAD v4.1: 596 of 1,612,948 alleles (0.037%); highest among the groups gnomAD compares: African/African-American, 0.72%; 1 homozygote.

Submissions (6):

Labcorp Genetics (formerly Invitae), Labcorp
Classification: Likely benign. Last evaluated: 2026-01-28. Review status: criteria provided, single submitter. Criteria: Invitae Variant Classification Sherloc (09022015). Collection method: clinical testing. Allele origin: germline.

Blueprint Genetics
Classification: Likely benign. Last evaluated: 2024-07-01. Review status: criteria provided, single submitter. Criteria: ACMG Guidelines, 2015. Collection method: clinical testing. Allele origin: germline.

Ambry Genetics
Classification: Uncertain significance for Inborn genetic diseases. Last evaluated: 2021-08-17. Review status: criteria provided, single submitter. Criteria: Ambry Variant Classification Scheme 2023. Collection method: clinical testing. Allele origin: germline.

PreventionGenetics, part of Exact Sciences
Classification: Benign for EYS-related condition. Last evaluated: 2020-06-08. Review status: no assertion criteria provided. Collection method: clinical testing. Allele origin: germline. Not counted in ClinVar's aggregate classification.
Comment: This variant is classified as benign based on ACMG/AMP sequence variant interpretation guidelines (Richards et al. 2015 PMID: 25741868, with internal and published modifications).

Natera, Inc.
Classification: Uncertain significance for Retinitis pigmentosa type 25. Last evaluated: 2019-11-11. Review status: no assertion criteria provided. Collection method: clinical testing. Allele origin: germline. Not counted in ClinVar's aggregate classification.

Department of Pathology and Laboratory Medicine, Sinai Health System
Classification: Uncertain significance. Review status: no assertion criteria provided. Collection method: clinical testing. Allele origin: unknown. Affected: yes. Study: The Canadian Open Genetics Repository (COGR). Not counted in ClinVar's aggregate classification.
Comment: The EYS p.H263R variant was not identified in the literature but was identified in dbSNP (ID: rs139517572) and ClinVar (classified as uncertain significance by BluePrint Genetics and as likely benign by Invitae). The variant was identified in control databases in 194 of 282530 chromosomes (0 homozygous) at a frequency of 0.0006867, and was observed at the highest frequency in the African population in 180 of 24946 chromosomes (freq: 0.007216) (Genome Aggregation Database March 6, 2019, v2.1.1). The p.H263 residue is not conserved in mammals and computational analyses (MUT Assesor, PolyPhen-2, SIFT, MutationTaster, Revel, FATHMM, MetaLR, DANN) provide inconsistent predictions regarding the impact to the protein; this information is not very predictive of pathogenicity. The variant occurs outside of the splicing consensus sequence and in silico or computational prediction software programs (Splice AI exome) do not predict a difference in splicing. In summary, based on the above information the clinical significance of this variant cannot be determined with certainty at this time. This variant is classified as a variant of uncertain significance.

NM_001142800.2(EYS):c.788A>G (p.His263Arg)

Gene: EYS (EGF-like photoreceptor maintenance factor; minus strand). Cytogenetic location: 6q12.
Variant type: single nucleotide variant.
Coding change: c.788A>G on transcript NM_001142800.2 (MANE Select); coding-DNA position 788, A replaced by G.
Protein change: p.His263Arg; replaces histidine 263 with arginine.
Molecular consequence: missense variant.
Genome position (GRCh38, 1-based): chr6:65,490,668, T>C on the plus strand (A>G on the coding strand, the complement: EYS is on the minus strand). VCF-style: chr6-65490668-T-C. GRCh37 (hg19) VCF-style: chr6-66200561-T-C.
Other names: c.788A>G, p.His263Arg (NM_001142801.2, NM_001292009.2, NM_198283.2); short protein forms H263R.
Identifiers: ClinVar variation 732960 (VCV000732960.18), dbSNP rs139517572, ClinGen allele CA3877985.